The following is an entry in ClinVar:

NM_024105.4(ALG12):c.965T>A (p.Ile322Asn)

Gene: ALG12 (ALG12 alpha-1,6-mannosyltransferase; minus strand). Cytogenetic location: 22q13.33.
Variant type: single nucleotide variant.
Coding change: c.965T>A on transcript NM_024105.4 (MANE Select); coding-DNA position 965, T replaced by A.
Protein change: p.Ile322Asn; replaces isoleucine 322 with asparagine.
Molecular consequence: missense variant.
Genome position (GRCh38, 1-based): chr22:49,907,748, A>T on the plus strand (T>A on the coding strand, the complement: ALG12 is on the minus strand). VCF-style: chr22-49907748-A-T. GRCh37 (hg19) VCF-style: chr22-50301396-A-T.
Other names: short protein forms I322N.
Identifiers: ClinVar variation 2132719 (VCV002132719.4), dbSNP rs2519262977, ClinGen allele CA412073529.
Genomic context (GRCh38, chr22:49,907,748, plus strand): 5'-TATAAAAATGCATGTCACAAAAAGAGCACTCACAGGTAGGAGCAGCCTCTGGCAGCCGTG[A>T]TGTTGAGCATGGGGAAGGCATAGATGATGAAGCGTAGCTCCTTGTGTGGCAGGAGGGAGT-3'
Protein context (NP_077010.1, residues 312-332): FIIYAFPMLN[Ile322Asn]TAARGCSYLL

ClinVar aggregate classification (germline): Uncertain significance (1 of 4 stars; one submission).

Conditions:
ALG12-congenital disorder of glycosylation (CDG1G). Also called: CDG Ig; ALG12-CDG; Congenital disorder of glycosylation, type Ig. Identifiers: Orphanet 79324, MedGen C2931001, MONDO:0011783, OMIM 607143.

Submission:

Labcorp Genetics (formerly Invitae), Labcorp
Classification: Uncertain significance for ALG12-congenital disorder of glycosylation. Last evaluated: 2022-05-03. Review status: criteria provided, single submitter. Criteria: Invitae Variant Classification Sherloc (09022015). Collection method: clinical testing. Allele origin: germline.
Comment: In summary, the available evidence is currently insufficient to determine the role of this variant in disease. Therefore, it has been classified as a Variant of Uncertain Significance. Algorithms developed to predict the effect of missense changes on protein structure and function (SIFT, PolyPhen-2, Align-GVGD) all suggest that this variant is likely to be disruptive. This variant has not been reported in the literature in individuals affected with ALG12-related conditions. This variant is not present in population databases (gnomAD no frequency). This sequence change replaces isoleucine, which is neutral and non-polar, with asparagine, which is neutral and polar, at codon 322 of the ALG12 protein (p.Ile322Asn).